The following is an entry in ClinVar:

ClinVar aggregate classification (germline): Uncertain significance. Review status: criteria provided, multiple submitters, no conflicts (2 of 4 stars). 2 submissions from 2 submitters: Uncertain significance (2). Last evaluated 2022-07-10.

Conditions:
Arrhythmogenic right ventricular dysplasia 13. Also called: Arrhythmogenic right ventricular dysplasia, familial, 13; ARRHYTHMOGENIC RIGHT VENTRICULAR CARDIOMYOPATHY 13. Identifiers: MedGen C3810138, MONDO:0000908, OMIM 615616.

Allele frequency attached by ClinVar (database versions not stated): gnomAD 0.00001; ESP Exome Variant Server 0.00008; ExAC 0.00001; TOPMed 0.00001.
gnomAD v4.1: 27 of 1,614,030 alleles (0.0017%); highest among the groups gnomAD compares: Middle Eastern, 0.016%; no homozygotes.

Submissions (2):

Ambry Genetics
Classification: Uncertain significance. Last evaluated: 2022-07-10. Review status: criteria provided, single submitter. Criteria: Ambry Variant Classification Scheme 2023. Collection method: clinical testing. Allele origin: germline.
Comment: The p.N250S variant (also known as c.749A>G), located in coding exon 5 of the CTNNA3 gene, results from an A to G substitution at nucleotide position 749. The asparagine at codon 250 is replaced by serine, an amino acid with highly similar properties. This amino acid position is conserved. In addition, this alteration is predicted to be tolerated by in silico analysis. Since supporting evidence is limited at this time, the clinical significance of this alteration remains unclear.

Labcorp Genetics (formerly Invitae), Labcorp
Classification: Uncertain significance for Arrhythmogenic right ventricular dysplasia 13. Last evaluated: 2022-05-12. Review status: criteria provided, single submitter. Criteria: Invitae Variant Classification Sherloc (09022015). Collection method: clinical testing. Allele origin: germline.
Comment: In summary, the available evidence is currently insufficient to determine the role of this variant in disease. Therefore, it has been classified as a Variant of Uncertain Significance. Algorithms developed to predict the effect of missense changes on protein structure and function output the following: SIFT: "Deleterious"; PolyPhen-2: "Benign"; Align-GVGD: "Class C0". The serine amino acid residue is found in multiple mammalian species, which suggests that this missense change does not adversely affect protein function. This variant has not been reported in the literature in individuals affected with CTNNA3-related conditions. This variant is present in population databases (rs372717475, gnomAD 0.004%). This sequence change replaces asparagine, which is neutral and polar, with serine, which is neutral and polar, at codon 250 of the CTNNA3 protein (p.Asn250Ser).

NM_013266.4(CTNNA3):c.749A>G (p.Asn250Ser)

Gene: CTNNA3 (catenin alpha 3; minus strand). Cytogenetic location: 10q21.3.
Variant type: single nucleotide variant.
Coding change: c.749A>G on transcript NM_013266.4 (MANE Select); coding-DNA position 749, A replaced by G.
Protein change: p.Asn250Ser; replaces asparagine 250 with serine.
Molecular consequence: missense variant.
Genome position (GRCh38, 1-based): chr10:67,219,701, T>C on the plus strand (A>G on the coding strand, the complement: CTNNA3 is on the minus strand). VCF-style: chr10-67219701-T-C. GRCh37 (hg19) VCF-style: chr10-68979459-T-C.
Other names: c.749A>G, p.Asn250Ser (NM_001127384.3); c.785A>G, p.Asn262Ser (NM_001291133.2); short protein forms N250S, N262S.
Identifiers: ClinVar variation 1759182 (VCV001759182.7), dbSNP rs372717475, ClinGen allele CA5520508.
Genomic context (GRCh38, chr10:67,219,701, plus strand): 5'-GCCTGAGGTTCTGGTGGGGTTGTCATATTCTGGATCCCTTGTGAAGCATTTGAAATTACA[T>C]TGAGAGCATTCTGAATTTCTTCACAAACTGTGTCCTTGCTTGCTTTGAGGGAAGCAACAT-3'
Protein context (NP_037398.2, residues 240-260): TVCEEIQNAL[Asn250Ser]VISNASQGIQ